The following is an entry in ClinVar:

ClinVar aggregate classification (germline): Uncertain significance (1 of 4 stars; one submission).

Conditions:
Seizures, benign familial infantile, 3 (BFIS3). Also called: CONVULSIONS, BENIGN FAMILIAL INFANTILE, 3; Familial neonatal seizures. Identifiers: Orphanet 140927, Orphanet 306, MedGen C1843140, MONDO:0011904, OMIM 607745.
Developmental and epileptic encephalopathy, 11 (DEE11). Also called: Early infantile epileptic encephalopathy 11. Identifiers: Orphanet 1934, MedGen C3150987, MONDO:0013388, OMIM 613721.

Submission:

Labcorp Genetics (formerly Invitae), Labcorp
Classification: Uncertain significance for Seizures, benign familial infantile, 3; Developmental and epileptic encephalopathy, 11. Last evaluated: 2022-08-23. Review status: criteria provided, single submitter. Criteria: Invitae Variant Classification Sherloc (09022015). Collection method: clinical testing. Allele origin: germline.
Comment: Algorithms developed to predict the effect of missense changes on protein structure and function are either unavailable or do not agree on the potential impact of this missense change (SIFT: "Deleterious"; PolyPhen-2: "Probably Damaging"; Align-GVGD: "Class C0"). In summary, the available evidence is currently insufficient to determine the role of this variant in disease. Therefore, it has been classified as a Variant of Uncertain Significance. This variant has not been reported in the literature in individuals affected with SCN2A-related conditions. This sequence change replaces leucine, which is neutral and non-polar, with tryptophan, which is neutral and slightly polar, at codon 254 of the SCN2A protein (p.Leu254Trp). This variant is not present in population databases (gnomAD no frequency).

NM_001040142.2(SCN2A):c.761T>G (p.Leu254Trp)

Gene: SCN2A (sodium voltage-gated channel alpha subunit 2; plus strand). Cytogenetic location: 2q24.3.
Variant type: single nucleotide variant.
Coding change: c.761T>G on transcript NM_001040142.2 (MANE Select); coding-DNA position 761, T replaced by G.
Protein change: p.Leu254Trp; replaces leucine 254 with tryptophan.
Molecular consequence: missense variant.
Genome position (GRCh38, 1-based): chr2:165,310,386, T>G. VCF-style: chr2-165310386-T-G. GRCh37 (hg19) VCF-style: chr2-166166896-T-G.
Other names: c.761T>G, p.Leu254Trp (NM_001040143.2, NM_001371246.1, NM_001371247.1 and 1 more transcripts); short protein forms L254W.
Identifiers: ClinVar variation 2008955 (VCV002008955.4), dbSNP rs1553567892, ClinGen allele CA349017987.
Genomic context (GRCh38, chr2:165,310,386, plus strand): 5'-TGAAGACCATTGTGGGGGCCCTGATCCAGTCAGTGAAGAAGCTTTCTGATGTCATGATCT[T>G]GACTGTGTTCTGTCTAAGCGTGTTTGCGCTAATAGGATTGCAGTTGTTCATGGGCAACCT-3'
Protein context (NP_001035232.1, residues 244-264): SVKKLSDVMI[Leu254Trp]TVFCLSVFAL